The following is an entry in ClinVar:

NM_000038.6(APC):c.1343dup (p.Ala449fs)

Gene: APC (APC regulator of WNT signaling pathway; plus strand). Cytogenetic location: 5q22.2.
Variant type: Duplication.
Coding change: c.1343dup on transcript NM_000038.6 (MANE Select); coding-DNA position 1343, one base duplicated (C; older notation c.1343dupC).
Protein change: p.Ala449fs; shifts the reading frame from alanine 449.
Molecular consequence: frameshift variant.
Genome position (GRCh38, 1-based): chr5:112,821,926, C duplicated; the last of 2 consecutive C bases (chr5:112,821,925-112,821,926); duplicating either gives the same sequence. VCF-style (leftmost placement, unchanged base first): chr5-112821924-T-TC. GRCh37 (hg19) VCF-style: chr5-112157621-T-TC.
Other names: c.1343dupC (NM_000038.5); c.1343dup, p.Ala449fs (NM_001127510.3, NM_001354895.2, NM_001354896.2); c.1289dup, p.Ala431fs (NM_001127511.3); c.1373dup, p.Ala459fs (NM_001354897.2); c.1268dup, p.Ala424fs (NM_001354898.2); c.1259dup, p.Ala421fs (NM_001354899.2); c.1166dup, p.Ala390fs (NM_001354900.2, NM_001354901.2); c.1070dup, p.Ala358fs (NM_001354902.2); and 4 more; short protein forms A424fs, A449fs, A348fs, A166fs, A289fs, A358fs, A323fs, A390fs.
Identifiers: ClinVar variation 433618 (VCV000433618.3), dbSNP rs1554080695, ClinGen allele CA645372417.
Genomic context (GRCh38, chr5:112,821,924, plus strand): 5'-GCATTATGGTTTATGTTGATTTTATTTTTCAGTGCCAGCTCCTGTTGAACATCAGATCTG[T>TC]CCTGCTGTGTGTGTTCTAATGAAACTTTCATTTGATGAAGAGCATAGACATGCAATGAAT-3'

ClinVar aggregate classification (germline): Pathogenic. Review status: criteria provided, single submitter (1 of 4 stars). 2 submissions from 2 submitters: Pathogenic (1). 1 of the submissions does not count toward it. Last evaluated 2016-01-14.

Submissions (2):

Clinical Genetics and Genomics, Karolinska University Hospital
Classification: Pathogenic. Last evaluated: 2016-01-14. Review status: criteria provided, single submitter. Criteria: ACMG Guidelines, 2015. Collection method: clinical testing. Allele origin: germline. Affected: yes. Observed: 1 variant allele.

Department of Pathology and Laboratory Medicine, Sinai Health System
Classification: Pathogenic. Review status: no assertion criteria provided. Collection method: clinical testing. Allele origin: unknown. Affected: yes. Study: The Canadian Open Genetics Repository (COGR). Not counted in ClinVar's aggregate classification.
Comment: The p.Ala449Cysfs*11 variant was not identified in the literature nor was it identified in the dbSNP, NHLBI Exome Sequencing Project (Exome Variant Server), Exome Aggregation Consortium (ExAC) database, COSMIC, MutDB, â€šÃ„ÃºInSiGHT Colon Cancer Databaseâ€šZhejiang Colon Cancer Databaseâ€š the ClinVar database, Clinvitae, GeneInsight COGR, and UMD Colon Genes databases. The p.Ala449Cysfs*11 duplication variant is predicted to cause a frameshift, which alters the protein's amino acid sequence beginning at codon 449 and leads to a premature stop codon 11 codons downstream. This alteration is then predicted to result in a truncated or absent protein and loss of function. Loss of function variants of the APC gene are an established mechanism of disease in familial adenomatous polyposis and is the type of variant expected to cause the disorder and this DNA finding is consistent with this individualâ€šÃ„Ã´s clinical diagnosis of FAP. In summary, based on the above information, this variant meets our laboratory's criteria to be classified as pathogenic.